The following is an entry in ClinVar:

NM_000465.4(BARD1):c.823T>A (p.Leu275Ile)

Gene: BARD1 (BRCA1 associated RING domain 1; minus strand). Cytogenetic location: 2q35.
Variant type: single nucleotide variant.
Coding change: c.823T>A on transcript NM_000465.4 (MANE Select); coding-DNA position 823, T replaced by A.
Protein change: p.Leu275Ile; replaces leucine 275 with isoleucine.
Molecular consequence: missense variant. On other transcripts: non-coding transcript variant (2), intron variant (3).
Genome position (GRCh38, 1-based): chr2:214,781,051, A>T on the plus strand (T>A on the coding strand, the complement: BARD1 is on the minus strand). VCF-style: chr2-214781051-A-T. GRCh37 (hg19) VCF-style: chr2-215645775-A-T.
Other names: c.766T>A, p.Leu256Ile (NM_001282543.2); c.158+28361T>A (NM_001282548.2); c.215+16010T>A (NM_001282545.2); c.364+11246T>A (NM_001282549.2); short protein forms L275I, L256I.
Identifiers: ClinVar variation 230803 (VCV000230803.18), dbSNP rs776157713, ClinGen allele CA10577833.

ClinVar aggregate classification (germline): Uncertain significance. Review status: criteria provided, multiple submitters, no conflicts (2 of 4 stars). 3 submissions from 3 submitters: Uncertain significance (3). Last evaluated 2025-10-06.

Conditions:
Hereditary cancer-predisposing syndrome. Also called: Neoplastic Syndromes, Hereditary; Tumor predisposition; Hereditary Cancer Syndrome; Hereditary neoplastic syndrome. Identifiers: Orphanet 140162, MedGen C0027672, MeSH D009386, MONDO:0015356.
Familial cancer of breast. Also called: BREAST CANCER, FAMILIAL; hereditary breast carcinoma; Hereditary breast cancer. Identifiers: Orphanet 227535, MedGen C0346153, MONDO:0016419, OMIM 114480. Disease mechanism: loss of function.

Submissions (3):

Labcorp Genetics (formerly Invitae), Labcorp
Classification: Uncertain significance for Familial cancer of breast. Last evaluated: 2025-10-06. Review status: criteria provided, single submitter. Criteria: Invitae Variant Classification Sherloc (09022015). Collection method: clinical testing. Allele origin: germline.
Comment: This sequence change replaces leucine, which is neutral and non-polar, with isoleucine, which is neutral and non-polar, at codon 275 of the BARD1 protein (p.Leu275Ile). This variant is not present in population databases (gnomAD no frequency). This variant has not been reported in the literature in individuals affected with BARD1-related conditions. ClinVar contains an entry for this variant (Variation ID: 230803). An algorithm developed to predict the effect of missense changes on protein structure and function (PolyPhen-2) suggests that this variant is likely to be tolerated. In summary, the available evidence is currently insufficient to determine the role of this variant in disease. Therefore, it has been classified as a Variant of Uncertain Significance.

Color Diagnostics, LLC DBA Color Health
Classification: Uncertain significance for Hereditary cancer-predisposing syndrome. Last evaluated: 2020-05-11. Review status: criteria provided, single submitter. Criteria: ACMG Guidelines, 2015. Collection method: clinical testing. Allele origin: germline.
Comment: This missense variant replaces leucine with isoleucine at codon 275 of the BARD1 protein. Computational prediction suggests that this variant may not impact protein structure and function (internally defined REVEL score threshold <= 0.5, PMID: 27666373). To our knowledge, functional studies have not been reported for this variant. This variant has not been reported in individuals affected with hereditary cancer in the literature. This variant has not been identified in the general population by the Genome Aggregation Database (gnomAD). The available evidence is insufficient to determine the role of this variant in disease conclusively. Therefore, this variant is classified as a Variant of Uncertain Significance.

Ambry Genetics
Classification: Uncertain significance for Hereditary cancer-predisposing syndrome. Last evaluated: 2015-03-07. Review status: criteria provided, single submitter. Criteria: Ambry Variant Classification Scheme 2023. Collection method: clinical testing. Allele origin: germline.
Comment: The p.L275I variant (also known as c.823T>A), located in coding exon 4 of the BARD1 gene, results from a T to A substitution at nucleotide position 823. The leucine at codon 275 is replaced by isoleucine, an amino acid with highly similar properties. This variant was not reported in population based cohorts in the following databases: Database of Single Nucleotide Polymorphisms (dbSNP), NHLBI Exome Sequencing Project (ESP), and 1000 Genomes Project. In the ESP, this variant was not observed in 6501 samples (13002 alleles) with coverage at this position. To date, this alteration has been detected with an allele frequency of approximately 0.003% (greater than 40000 alleles tested) in our clinical cohort. This amino acid position is not well conserved in available vertebrate species. In addition, this alteration is predicted to be tolerated by in silico analysis. Since supporting evidence is limited at this time, the clinical significance of p.L275I remains unclear.